The following is an entry in ClinVar:

NM_000321.3(RB1):c.1091A>T (p.Glu364Val)

Gene: RB1 (RB transcriptional corepressor 1; plus strand). Cytogenetic location: 13q14.2.
Variant type: single nucleotide variant.
Coding change: c.1091A>T on transcript NM_000321.3 (MANE Select); coding-DNA position 1091, A replaced by T.
Protein change: p.Glu364Val; replaces glutamic acid 364 with valine.
Molecular consequence: missense variant.
Genome position (GRCh38, 1-based): chr13:48,368,568, A>T. VCF-style: chr13-48368568-A-T. GRCh37 (hg19) VCF-style: chr13-48942704-A-T.
Other names: c.1091A>T, p.Glu364Val (NM_001407165.1, NM_001407166.1); short protein forms E364V.
Identifiers: ClinVar variation 4842597 (VCV004842597.1).

ClinVar aggregate classification (germline): Uncertain significance (1 of 4 stars; one submission).

Conditions:
Hereditary cancer-predisposing syndrome. Also called: Neoplastic Syndromes, Hereditary; Tumor predisposition; Hereditary Cancer Syndrome; Hereditary neoplastic syndrome. Identifiers: Orphanet 140162, MedGen C0027672, MeSH D009386, MONDO:0015356.

Submission:

Ambry Genetics
Classification: Uncertain significance for Hereditary cancer-predisposing syndrome. Last evaluated: 2025-12-19. Review status: criteria provided, single submitter. Criteria: Ambry Variant Classification Scheme 2023. Collection method: clinical testing. Allele origin: germline.
Comment: The p.E364V variant (also known as c.1091A>T), located in coding exon 11 of the RB1 gene, results from an A to T substitution at nucleotide position 1091. The glutamic acid at codon 364 is replaced by valine, an amino acid with dissimilar properties. This amino acid position is conserved. In addition, this alteration is predicted to be deleterious by in silico analysis. Based on the available evidence, the clinical significance of this variant remains unclear.